The following is an entry in ClinVar:

NM_198428.3(BBS9):c.580C>T (p.Leu194Phe)

Gene: BBS9 (Bardet-Biedl syndrome 9; plus strand). Cytogenetic location: 7p14.3.
Variant type: single nucleotide variant.
Coding change: c.580C>T on transcript NM_198428.3 (MANE Select); coding-DNA position 580, C replaced by T.
Protein change: p.Leu194Phe; replaces leucine 194 with phenylalanine.
Molecular consequence: missense variant. On other transcripts: non-coding transcript variant (3).
Genome position (GRCh38, 1-based): chr7:33,257,373, C>T. VCF-style: chr7-33257373-C-T. GRCh37 (hg19) VCF-style: chr7-33296985-C-T.
Other names: c.580C>T, p.Leu194Phe (NM_001033604.2, NM_001033605.2, NM_001348036.1 and 5 more transcripts); c.214C>T, p.Leu72Phe (NM_001348037.3, NM_001348044.3, NM_001348045.3 and 1 more transcripts); c.307C>T, p.Leu103Phe (NM_001348038.3, NM_001348039.3); c.445C>T, p.Leu149Phe (NM_001348042.3); short protein forms L72F, L149F, L194F, L103F.
Identifiers: ClinVar variation 1399159 (VCV001399159.4), dbSNP rs1797251379, ClinGen allele CA367252976.

ClinVar aggregate classification (germline): Uncertain significance. Review status: criteria provided, multiple submitters, no conflicts (2 of 4 stars). 2 submissions from 2 submitters: Uncertain significance (2). Last evaluated 2024-03-13.

Conditions:
Bardet-Biedl syndrome (BBS). Identifiers: Orphanet 110, MedGen C0752166, MONDO:0015229.
Bardet-Biedl syndrome 9 (BBS9). Identifiers: Orphanet 110, MedGen C1859567, MONDO:0014437, OMIM 615986.

Submissions (2):

Fulgent Genetics
Classification: Uncertain significance for Bardet-Biedl syndrome 9. Last evaluated: 2024-03-13. Review status: criteria provided, single submitter. Criteria: ACMG Guidelines, 2015. Collection method: clinical testing. Allele origin: germline.

Labcorp Genetics (formerly Invitae), Labcorp
Classification: Uncertain significance for Bardet-Biedl syndrome. Last evaluated: 2022-09-01. Review status: criteria provided, single submitter. Criteria: Invitae Variant Classification Sherloc (09022015). Collection method: clinical testing. Allele origin: germline.
Comment: This sequence change replaces leucine, which is neutral and non-polar, with phenylalanine, which is neutral and non-polar, at codon 194 of the BBS9 protein (p.Leu194Phe). This variant is not present in population databases (gnomAD no frequency). This variant has not been reported in the literature in individuals affected with BBS9-related conditions. ClinVar contains an entry for this variant (Variation ID: 1399159). Algorithms developed to predict the effect of missense changes on protein structure and function (SIFT, PolyPhen-2, Align-GVGD) all suggest that this variant is likely to be tolerated. In summary, the available evidence is currently insufficient to determine the role of this variant in disease. Therefore, it has been classified as a Variant of Uncertain Significance.